The following is an entry in ClinVar:

NM_001040142.2(SCN2A):c.1264G>A (p.Ala422Thr)

Gene: SCN2A (sodium voltage-gated channel alpha subunit 2; plus strand). Cytogenetic location: 2q24.3.
Variant type: single nucleotide variant.
Coding change: c.1264G>A on transcript NM_001040142.2 (MANE Select); coding-DNA position 1264, G replaced by A.
Protein change: p.Ala422Thr; replaces alanine 422 with threonine.
Molecular consequence: missense variant.
Genome position (GRCh38, 1-based): chr2:165,313,989, G>A. VCF-style: chr2-165313989-G-A. GRCh37 (hg19) VCF-style: chr2-166170499-G-A.
Other names: c.1264G>A, p.Ala422Thr (NM_001040143.2, NM_001371246.1, NM_001371247.1 and 1 more transcripts); short protein forms A422T.
Identifiers: ClinVar variation 3753537 (VCV003753537.2).

ClinVar aggregate classification (germline): Uncertain significance (1 of 4 stars; one submission).

Conditions:
Developmental and epileptic encephalopathy, 11 (DEE11). Also called: Early infantile epileptic encephalopathy 11. Identifiers: Orphanet 1934, MedGen C3150987, MONDO:0013388, OMIM 613721.
Seizures, benign familial infantile, 3 (BFIS3). Also called: CONVULSIONS, BENIGN FAMILIAL INFANTILE, 3; Familial neonatal seizures. Identifiers: Orphanet 140927, Orphanet 306, MedGen C1843140, MONDO:0011904, OMIM 607745.

Submission:

Labcorp Genetics (formerly Invitae), Labcorp
Classification: Uncertain significance for Seizures, benign familial infantile, 3; Developmental and epileptic encephalopathy, 11. Last evaluated: 2024-01-24. Review status: criteria provided, single submitter. Criteria: Invitae Variant Classification Sherloc (09022015). Collection method: clinical testing. Allele origin: germline.
Comment: This sequence change replaces alanine, which is neutral and non-polar, with threonine, which is neutral and polar, at codon 422 of the SCN2A protein (p.Ala422Thr). This variant is not present in population databases (gnomAD no frequency). This variant has not been reported in the literature in individuals affected with SCN2A-related conditions. Advanced modeling of protein sequence and biophysical properties (such as structural, functional, and spatial information, amino acid conservation, physicochemical variation, residue mobility, and thermodynamic stability) performed at Invitae indicates that this missense variant is expected to disrupt SCN2A protein function with a positive predictive value of 95%. In summary, the available evidence is currently insufficient to determine the role of this variant in disease. Therefore, it has been classified as a Variant of Uncertain Significance.